The following is an entry in ClinVar:

ClinVar aggregate classification (germline): Pathogenic (1 of 4 stars; one submission).

Conditions:
Familial cancer of breast. Also called: BREAST CANCER, FAMILIAL; Hereditary breast cancer; hereditary breast carcinoma. Identifiers: Orphanet 227535, MedGen C0346153, MONDO:0016419, OMIM 114480. Disease mechanism: loss of function.

Submission:

Labcorp Genetics (formerly Invitae), Labcorp
Classification: Pathogenic for Familial cancer of breast. Last evaluated: 2020-10-26. Review status: criteria provided, single submitter. Criteria: Invitae Variant Classification Sherloc (09022015). Collection method: clinical testing. Allele origin: germline.
Comment: For these reasons, this variant has been classified as Pathogenic. This variant has not been reported in the literature in individuals with CHEK2-related conditions. This variant is not present in population databases (ExAC no frequency). This sequence change creates a premature translational stop signal (p.Glu454Alafs*16) in the CHEK2 gene. It is expected to result in an absent or disrupted protein product. Loss-of-function variants in CHEK2 are known to be pathogenic (PMID: 21876083, 24713400).

Literature cited by the submitters: PubMed 21876083; PubMed 24713400.

NM_007194.4(CHEK2):c.1360_1361insCA (p.Glu454fs)

Gene: CHEK2 (checkpoint kinase 2; minus strand). Cytogenetic location: 22q12.1.
Variant type: Insertion.
Coding change: c.1360_1361insCA on transcript NM_007194.4 (MANE Select); coding-DNA positions 1360 to 1361, CA inserted.
Protein change: p.Glu454fs; shifts the reading frame from glutamic acid 454.
Molecular consequence: frameshift variant.
Genome position: GRCh38 VCF-style: chr22-28695141-T-TTG. GRCh37 (hg19) VCF-style: chr22-29091129-T-TTG.
Other names: c.1489_1490insCA, p.Glu497Alafs (NM_001005735.3); c.697_698insCA, p.Glu233Alafs (NM_001257387.3); c.1159_1160insCA, p.Glu387Alafs (NM_001349956.3); c.1273_1274insCA, p.Glu425Alafs (NM_145862.3); short protein forms E454fs, E233fs, E387fs, E425fs, E497fs.
Identifiers: ClinVar variation 1418746 (VCV001418746.7), dbSNP rs2145793110, ClinGen allele CA2573157925.